The following is an entry in ClinVar:

ClinVar aggregate classification (germline): Conflicting classifications of pathogenicity. Review status: criteria provided, conflicting classifications (1 of 4 stars). 2 submissions from 2 submitters: Likely pathogenic (1); Uncertain significance (1). Last evaluated 2024-11-24.

Conditions:
Developmental and epileptic encephalopathy, 32 (DEE32). Also called: Epileptic encephalopathy, early infantile, 32. Identifiers: Orphanet 442835, MedGen C4225350, MONDO:0014607, OMIM 616366.
Seizure. Also called: Seizures. Identifiers: MedGen C0036572, HP:0001250.

Submissions (2):

Labcorp Genetics (formerly Invitae), Labcorp
Classification: Uncertain significance for Developmental and epileptic encephalopathy, 32. Last evaluated: 2024-11-24. Review status: criteria provided, single submitter. Criteria: Invitae Variant Classification Sherloc (09022015). Collection method: clinical testing. Allele origin: germline.
Comment: This sequence change replaces alanine, which is neutral and non-polar, with aspartic acid, which is acidic and polar, at codon 162 of the KCNA2 protein (p.Ala162Asp). This variant is not present in population databases (gnomAD no frequency). This variant has not been reported in the literature in individuals affected with KCNA2-related conditions. ClinVar contains an entry for this variant (Variation ID: 2626761). Invitae Evidence Modeling of protein sequence and biophysical properties (such as structural, functional, and spatial information, amino acid conservation, physicochemical variation, residue mobility, and thermodynamic stability) indicates that this missense variant is expected to disrupt KCNA2 protein function with a positive predictive value of 95%. In summary, the available evidence is currently insufficient to determine the role of this variant in disease. Therefore, it has been classified as a Variant of Uncertain Significance.

Cytogénomique, Hospices Civils de Lyon
Classification: Likely pathogenic for seizures. Last evaluated: 2023-05-22. Review status: criteria provided, single submitter. Criteria: ACMG Guidelines, 2015. Collection method: clinical testing. Allele origin: de novo. Affected: yes. Observed: 1 variant allele, 1 heterozygote.

NM_004974.4(KCNA2):c.485C>A (p.Ala162Asp)

Gene: KCNA2 (potassium voltage-gated channel subfamily A member 2; minus strand). Cytogenetic location: 1p13.3.
Variant type: single nucleotide variant.
Coding change: c.485C>A on transcript NM_004974.4 (MANE Select); coding-DNA position 485, C replaced by A.
Protein change: p.Ala162Asp; replaces alanine 162 with aspartic acid.
Molecular consequence: missense variant.
Genome position (GRCh38, 1-based): chr1:110,604,298, G>T on the plus strand (C>A on the coding strand, the complement: KCNA2 is on the minus strand). VCF-style: chr1-110604298-G-T. GRCh37 (hg19) VCF-style: chr1-111146920-G-T.
Other names: c.485C>A, p.Ala162Asp (NM_001204269.2); short protein forms A162D.
Identifiers: ClinVar variation 2626761 (VCV002626761.5), dbSNP rs2524621109, ClinGen allele CA341605194.